The following is an entry in ClinVar:

NM_025243.4(SLC19A3):c.150+203A>C

Gene: SLC19A3 (solute carrier family 19 member 3; minus strand). Cytogenetic location: 2q36.3.
Variant type: single nucleotide variant.
Coding change: c.150+203A>C on transcript NM_025243.4 (MANE Select); 203 bases into the intron after coding-DNA position 150, A replaced by C.
Molecular consequence: intron variant.
Genome position (GRCh38, 1-based): chr2:227,701,966, T>G on the plus strand (A>C on the coding strand, the complement: SLC19A3 is on the minus strand). VCF-style: chr2-227701966-T-G. GRCh37 (hg19) VCF-style: chr2-228566682-T-G.
Identifiers: ClinVar variation 673253 (VCV000673253.2), dbSNP rs74387373, ClinGen allele CA66662508.

ClinVar aggregate classification (germline): Benign. Review status: criteria provided, multiple submitters, no conflicts (2 of 4 stars). 2 submissions from 2 submitters: Benign (2). Last evaluated 2018-06-14.

Allele frequency attached by ClinVar (database versions not stated): gnomAD 0.03729 and 0.03958; 1000 Genomes Project 0.03934; TOPMed 0.04242; 1000 Genomes Project 30x 0.04403.
gnomAD v4.1: 10,567 of 557,804 alleles (1.9%); highest among the groups gnomAD compares: African/African-American, 11%; 356 homozygotes.

Submissions (2):

GeneDx
Classification: Benign. Last evaluated: 2018-06-14. Review status: criteria provided, single submitter. Criteria: GeneDx Variant Classification (06012015). Collection method: clinical testing. Allele origin: germline. Affected: yes.
Comment: This variant is considered likely benign or benign based on one or more of the following criteria: it is a conservative change, it occurs at a poorly conserved position in the protein, it is predicted to be benign by multiple in silico algorithms, and/or has population frequency not consistent with disease.

Breakthrough Genomics
Classification: Benign. Review status: criteria provided, single submitter. Criteria: ACMG Guidelines, 2015. Collection method: not provided. Allele origin: germline. Inheritance: Autosomal recessive inheritance. Affected: yes.